The following is an entry in ClinVar:

ClinVar aggregate classification (germline): Uncertain significance (1 of 4 stars; one submission).

Conditions:
Primary ciliary dyskinesia. Also called: Ciliary dyskinesia. Identifiers: Orphanet 244, MedGen C0008780, MONDO:0016575, HP:0012265.

Allele frequency attached by ClinVar (database versions not stated): TOPMed below 0.00001; gnomAD 0.00001.
gnomAD v4.1: 1 of 1,613,894 alleles (0.000062%); highest among the groups gnomAD compares: Non-Finnish European, 0.000085%; no homozygotes.

Submission:

Labcorp Genetics (formerly Invitae), Labcorp
Classification: Uncertain significance for Primary ciliary dyskinesia. Last evaluated: 2021-07-06. Review status: criteria provided, single submitter. Criteria: Invitae Variant Classification Sherloc (09022015). Collection method: clinical testing. Allele origin: germline.
Comment: This variant is not present in population databases (ExAC no frequency). In summary, the available evidence is currently insufficient to determine the role of this variant in disease. Therefore, it has been classified as a Variant of Uncertain Significance. Algorithms developed to predict the effect of missense changes on protein structure and function are either unavailable or do not agree on the potential impact of this missense change (SIFT: "Deleterious"; PolyPhen-2: "Not Available"; Align-GVGD: "Class C65"). This variant has not been reported in the literature in individuals affected with DNAH8-related conditions. This sequence change replaces cysteine with arginine at codon 3241 of the DNAH8 protein (p.Cys3241Arg). The cysteine residue is highly conserved and there is a large physicochemical difference between cysteine and arginine.

NM_001206927.2(DNAH8):c.9721T>C (p.Cys3241Arg)

Genes: DNAH8 (dynein axonemal heavy chain 8; plus strand), DNAH8-AS1 (DNAH8 antisense RNA 1; minus strand). Cytogenetic location: 6p21.2.
Variant type: single nucleotide variant.
Coding change: c.9721T>C on transcript NM_001206927.2 (MANE Select); coding-DNA position 9721, T replaced by C.
Protein change: p.Cys3241Arg; replaces cysteine 3241 with arginine.
Molecular consequence: missense variant.
Genome position (GRCh38, 1-based): chr6:38,909,725, T>C. VCF-style: chr6-38909725-T-C. GRCh37 (hg19) VCF-style: chr6-38877501-T-C.
Other names: c.9070T>C, p.Cys3024Arg (NM_001371.4); short protein forms C3241R, C3024R.
Identifiers: ClinVar variation 1415036 (VCV001415036.8), dbSNP rs1285827985, ClinGen allele CA364002890.